The following is an entry in ClinVar:

ClinVar aggregate classification (germline): Pathogenic. Review status: criteria provided, single submitter (1 of 4 stars). 2 submissions from 2 submitters: Pathogenic (1). 1 of the submissions does not count toward it. Last evaluated 2017-07-29.

Conditions:
Meckel-Gruber syndrome. Also called: DYSENCEPHALIA SPLANCHNOCYSTICA; GRUBER SYNDROME; Dysencephalia splachnocystica. Identifiers: Orphanet 564, MedGen C0265215, MONDO:0018921.
Joubert syndrome. Also called: CEREBELLOPARENCHYMAL DISORDER IV; JOUBERT-BOLTSHAUSER SYNDROME; Familial aplasia of the vermis. Identifiers: Orphanet 475, MedGen C5979921, MONDO:0018772.
Meckel syndrome, type 3 (MKS3). Also called: MECKEL-GRUBER SYNDROME, TYPE 3. Identifiers: Orphanet 564, MedGen C1846357, MONDO:0011821, OMIM 607361.

gnomAD v4.1: 2 of 1,608,472 alleles (0.00012%); highest among the groups gnomAD compares: Non-Finnish European, 0.00017%; no homozygotes.

Submissions (2):

Labcorp Genetics (formerly Invitae), Labcorp
Classification: Pathogenic for Joubert syndrome; Meckel-Gruber syndrome. Last evaluated: 2017-07-29. Review status: criteria provided, single submitter. Criteria: Invitae Variant Classification Sherloc (09022015). Collection method: clinical testing. Allele origin: germline.
Comment: This sequence change affects an acceptor splice site in intron 13 of the TMEM67 gene. It is expected to disrupt RNA splicing and likely results in an absent or disrupted protein product. This variant is not present in population databases (ExAC no frequency). This variant has been observed on the opposite chromosome (in trans) from a pathogenic variant in a fetus affected with Meckel syndrome (PMID: 20232449). This finding is consistent with autosomal recessive inheritance, and suggests that this variant contributes to disease. ClinVar contains an entry for this variant (Variation ID: 56767). Donor and acceptor splice site variants typically lead to a loss of protein function (PMID: 16199547), and loss-of-function variants in TMEM67 are known to be pathogenic (PMID: 20232449). For these reasons, this variant has been classified as Pathogenic.

Juha Muilu Group; Institute for Molecular Medicine Finland (FIMM)
Classification: Likely pathogenic for Meckel syndrome type 3. Review status: no assertion criteria provided. Collection method: not provided. Allele origin: unknown. Not counted in ClinVar's aggregate classification.
Comment: FinDis database variant: This variant was not found or characterized by our laboratory, data were collected from public sources: see reference
ClinVar note: Converted during submission from probable-pathogenic to Likely pathogenic.

Literature cited by the submitters: PubMed 20232449 (cited by Labcorp Genetics (formerly Invitae), Labcorp); PubMed 16199547 (cited by Labcorp Genetics (formerly Invitae), Labcorp).

NM_153704.6(TMEM67):c.1413-1G>C

Gene: TMEM67 (transmembrane protein 67; plus strand). Cytogenetic location: 8q22.1.
Variant type: single nucleotide variant.
Coding change: c.1413-1G>C on transcript NM_153704.6 (MANE Select); the canonical splice acceptor site of the intron before coding-DNA position 1413, G replaced by C.
Molecular consequence: splice acceptor variant.
Genome position (GRCh38, 1-based): chr8:93,787,843, G>C. VCF-style: chr8-93787843-G-C. GRCh37 (hg19) VCF-style: chr8-94800071-G-C.
Other names: c.1170-1G>C (NM_001142301.1).
Identifiers: ClinVar variation 56767 (VCV000056767.8), dbSNP rs386834185, ClinGen allele CA144449.